The following is an entry in ClinVar:

NM_024408.4(NOTCH2):c.2928G>A (p.Gln976=)

Gene: NOTCH2 (notch receptor 2; minus strand). Cytogenetic location: 1p12.
Variant type: single nucleotide variant.
Coding change: c.2928G>A on transcript NM_024408.4 (MANE Select); coding-DNA position 2928, G replaced by A.
Protein change: p.Gln976=; no amino-acid change (glutamine 976 retained).
Molecular consequence: synonymous variant.
Genome position (GRCh38, 1-based): chr1:119,941,579, C>T on the plus strand (G>A on the coding strand, the complement: NOTCH2 is on the minus strand). VCF-style: chr1-119941579-C-T. GRCh37 (hg19) VCF-style: chr1-120484202-C-T.
Other names: c.2928G>A, p.Gln976= (NM_001200001.2).
Identifiers: ClinVar variation 3041902 (VCV003041902.2), dbSNP rs1650065469, ClinGen allele CA420019202.

ClinVar aggregate classification (germline): Likely benign (0 of 4 stars; one submission).

Conditions:
NOTCH2-related disorder. Also called: NOTCH2-related condition.

Allele frequency attached by ClinVar (database versions not stated): gnomAD exomes below 0.00001; gnomAD 0.00001.
gnomAD v4.1: 3 of 1,614,094 alleles (0.00019%); highest among the groups gnomAD compares: Non-Finnish European, 0.00025%; no homozygotes.

Submission:

PreventionGenetics, part of Exact Sciences
Classification: Likely benign for NOTCH2-related condition. Last evaluated: 2019-05-08. Review status: no assertion criteria provided. Collection method: clinical testing. Allele origin: germline.
Comment: This variant is classified as likely benign based on ACMG/AMP sequence variant interpretation guidelines (Richards et al. 2015 PMID: 25741868, with internal and published modifications).